The following is an entry in ClinVar:

NC_000022.11:g.40346037dup

Gene: ADSL (adenylosuccinate lyase; plus strand). Cytogenetic location: 22q13.1.
Variant type: Duplication.
Genome position: GRCh38 VCF-style: chr22-40346036-G-GT. GRCh37 (hg19) VCF-style: chr22-40742040-G-GT.
Identifiers: ClinVar variation 1897197 (VCV001897197.3), dbSNP rs1157715906, ClinGen allele CA753179799.

ClinVar aggregate classification (germline): Uncertain significance (1 of 4 stars; one submission).

Conditions:
Adenylosuccinate lyase deficiency (ADSLD). Also called: ADSL DEFICIENCY. Identifiers: Orphanet 46, MedGen C0268126, MONDO:0007068, OMIM 103050.

Allele frequency attached by ClinVar (database versions not stated): gnomAD 0.00001; TOPMed 0.00002.

Submission:

Labcorp Genetics (formerly Invitae), Labcorp
Classification: Uncertain significance for Adenylosuccinate lyase deficiency. Last evaluated: 2022-05-29. Review status: criteria provided, single submitter. Criteria: Invitae Variant Classification Sherloc (09022015). Collection method: clinical testing. Allele origin: germline.
Comment: This variant occurs in a non-coding region of the ADSL gene. It does not change the encoded amino acid sequence of the ADSL protein. This variant is not present in population databases (gnomAD no frequency). This variant has not been reported in the literature in individuals affected with ADSL-related conditions. Experimental studies and prediction algorithms are not available or were not evaluated, and the functional significance of this variant is currently unknown. In summary, the available evidence is currently insufficient to determine the role of this variant in disease. Therefore, it has been classified as a Variant of Uncertain Significance.